The following is an entry in ClinVar:

NM_015076.5(CDK19):c.968G>A (p.Arg323Lys)

Gene: CDK19 (cyclin dependent kinase 19; minus strand). Cytogenetic location: 6q21.
Variant type: single nucleotide variant.
Coding change: c.968G>A on transcript NM_015076.5 (MANE Select); coding-DNA position 968, G replaced by A.
Protein change: p.Arg323Lys; replaces arginine 323 with lysine.
Molecular consequence: missense variant.
Genome position (GRCh38, 1-based): chr6:110,622,878, C>T on the plus strand (G>A on the coding strand, the complement: CDK19 is on the minus strand). VCF-style: chr6-110622878-C-T. GRCh37 (hg19) VCF-style: chr6-110944081-C-T.
Other names: c.836G>A, p.Arg279Lys (NM_001300960.2); c.788G>A, p.Arg263Lys (NM_001300963.2, NM_001300964.2); short protein forms R263K, R279K, R323K.
Identifiers: ClinVar variation 4532013 (VCV004532013.1).

ClinVar aggregate classification (germline): Uncertain significance (1 of 4 stars; one submission).

Conditions:
Developmental and epileptic encephalopathy, 87. Also called: EPILEPTIC ENCEPHALOPATHY, EARLY INFANTILE, 87. Identifiers: MedGen C5394501, MONDO:0030059, OMIM 618916.

Submission:

Victorian Clinical Genetics Services, Murdoch Childrens Research Institute
Classification: Uncertain significance for Developmental and epileptic encephalopathy, 87. Last evaluated: 2025-05-26. Review status: criteria provided, single submitter. Criteria: ACMG Guidelines, 2015. Collection method: clinical testing. Allele origin: germline. Affected: yes.
Comment: This variant is classified as VUS-3A. Evidence in support of pathogenic classification: Variant is absent from gnomAD (v2, v3 and v4); Missense variant predicted to be damaging by in silico tool(s) or highly conserved with a major amino acid change. Additional information: Variant is predicted to result in a missense amino acid change from arginine to lysine; This variant is heterozygous; This gene is associated with autosomal dominant disease; This variant has no previous evidence of pathogenicity; No published segregation evidence has been identified for this variant; No published functional evidence has been identified for this variant; No comparable missense variants have previous evidence for pathogenicity; Variant is located in the annotated protein kinase domain (DECIPHER); Loss of function and gain of function are suspected mechanisms of disease in this gene. In vitro kinase assays have showed both loss of function and gain of function. Overexpression studies in zebrafish models suggested a gain-of-function based on the increased fraction of embryos with morphological changes when compared to overexpression of WT cDNA (PMID: 33495529); Inheritance information for this variant is not currently available in this individual.

Literature cited by the submitters: PubMed 33495529.